The following is an entry in ClinVar:

NM_000243.3(MEFV):c.2060G>A (p.Gly687Asp)

Genes: MEFV (MEFV innate immunity regulator, pyrin; minus strand), LOC126862264 (CDK7 strongly-dependent group 2 enhancer GRCh37_chr16:3293322-3294521; plus strand). Cytogenetic location: 16p13.3.
Variant type: single nucleotide variant.
Coding change: c.2060G>A on transcript NM_000243.3 (MANE Select); coding-DNA position 2060, G replaced by A.
Protein change: p.Gly687Asp; replaces glycine 687 with aspartic acid.
Molecular consequence: missense variant. On other transcripts: 3 prime UTR variant (1).
Genome position (GRCh38, 1-based): chr16:3,243,427, C>T on the plus strand (G>A on the coding strand, the complement: MEFV is on the minus strand). VCF-style: chr16-3243427-C-T. GRCh37 (hg19) VCF-style: chr16-3293427-C-T.
Other names: c.*264G>A (NM_001198536.2); short protein forms G687D.
Identifiers: ClinVar variation 56148 (VCV000056148.6), dbSNP rs387907570, ClinGen allele CA280323.

ClinVar aggregate classification (germline): Conflicting classifications of pathogenicity. Review status: criteria provided, conflicting classifications (1 of 4 stars). 5 submissions from 5 submitters: Pathogenic (1); Likely pathogenic (1); Uncertain significance (1). 2 of the submissions do not count toward it. Last evaluated 2019-05-28.

Conditions:
Acute febrile neutrophilic dermatosis (AFND). Also called: Gomm Button disease; Sweet Syndrome. Identifiers: Orphanet 3243, MedGen C0085077, MONDO:0011959, OMIM 608068.
Familial Mediterranean fever (FMF). Also called: Periodic peritonitis; Benign paroxysmal peritonitis; POLYSEROSITIS, FAMILIAL PAROXYSMAL; POLYSEROSITIS, RECURRENT. Identifiers: Orphanet 342, MedGen C0031069, MONDO:0018088, OMIM 249100. Disease mechanism: gain of function.
Familial Mediterranean fever, autosomal dominant. Also called: Dominant Familial Mediterranean Fever; FMF, AUTOSOMAL DOMINANT. Identifiers: Orphanet 342, MedGen C1851347, MONDO:0007601, OMIM 134610.

Allele frequency attached by ClinVar (database versions not stated): gnomAD exomes below 0.00001 and 0.00001.

Submissions (5):

Mendelics
Classification: Uncertain significance for Familial Mediterranean fever. Last evaluated: 2019-05-28. Review status: criteria provided, single submitter. Criteria: Mendelics Assertion Criteria 2017. Collection method: clinical testing. Allele origin: unknown.

GeneDx
Classification: Pathogenic. Last evaluated: 2015-05-26. Review status: criteria provided, single submitter. Criteria: GeneDx Variant Classification (06012015). Collection method: clinical testing. Allele origin: germline. Affected: yes.
Comment: The G687D missense mutation in the MEFV gene has been reported previously in four patients of Turkish ancestry in association with familial Mediterranean fever (FMF) (Oztuzcu et al., 2014). G687D was not observed in approximately 6,500 individuals of European and African American ancestry in the NHLBI Exome Sequencing Project, indicating it is not a common benign variant in these populations. It is a non-conservative amino acid substitution, which is likely to impact secondary protein structure as these residues differ in polarity, charge, size and/or other properties. This substitution occurs at a position that is not conserved and in-silico analysis predicts this variant is probably damaging to the protein structure/function. In addition, missense mutations in nearby residues (G678E, M680L/I, T681I, Y688C, M694V/L/K/I, K695R/M/N) have been reported in the Human Gene Mutation Database in association with FMF (Stenson et al., 2014), supporting the functional importance of this region of the protein.

Juno Genomics, Hangzhou Juno Genomics, Inc
Classification: Likely pathogenic for Familial Mediterranean fever, autosomal dominant; Familial Mediterranean fever; Acute febrile neutrophilic dermatosis. Review status: criteria provided, single submitter. Criteria: ACMG Guidelines, 2015. Collection method: clinical testing. Allele origin: germline.
Comment: Absent from controls (or at extremely low frequency if recessive) in Genome Aggregation Database.;Multiple lines of computational evidence support a deleterious effect on the gene or gene product.;The prevalence of the variant in affected individuals is significantly increased compared to the prevalence in controls.;Patient's phenotype or family history is highly specific for a disease with a single genetic etiology.

Molecular Genetics Laboratory, BC Children's and BC Women's Hospitals
Classification: Uncertain significance for Familial Mediterranean fever. Last evaluated: 2021-11-05. Review status: no assertion criteria provided. Criteria: ACMG Guidelines, 2015. Collection method: clinical testing. Allele origin: germline. Affected: yes. Not counted in ClinVar's aggregate classification.

Medical Biology Lab,  Gaziantep University
No classification provided. Condition: Familial Mediterranean fever. Review status: no classification provided. Collection method: not provided. Allele origin: somatic. Not counted in ClinVar's aggregate classification.